The following is an entry in ClinVar:

NM_000388.4(CASR):c.1407T>G (p.Phe469Leu)

Gene: CASR (calcium sensing receptor; plus strand). Cytogenetic location: 3q21.1.
Variant type: single nucleotide variant.
Coding change: c.1407T>G on transcript NM_000388.4 (MANE Select); coding-DNA position 1407, T replaced by G.
Protein change: p.Phe469Leu; replaces phenylalanine 469 with leucine.
Molecular consequence: missense variant.
Genome position (GRCh38, 1-based): chr3:122,275,841, T>G. VCF-style: chr3-122275841-T-G. GRCh37 (hg19) VCF-style: chr3-121994688-T-G.
Other names: c.1407T>G, p.Phe469Leu (NM_001178065.2); short protein forms F469L.
Identifiers: ClinVar variation 855971 (VCV000855971.12), dbSNP rs1468055232, ClinGen allele CA354154883.

ClinVar aggregate classification (germline): Uncertain significance. Review status: criteria provided, multiple submitters, no conflicts (2 of 4 stars). 2 submissions from 2 submitters: Uncertain significance (2). Last evaluated 2021-12-11.

Conditions:
Autosomal dominant hypocalcemia 1 (HYPOC1). Also called: HYPOCALCEMIA, FAMILIAL. Identifiers: MedGen C3715128, MONDO:0011013, OMIM 601198.
Familial hypocalciuric hypercalcemia (FHH). Also called: Familial benign hypercalcemia. Identifiers: Orphanet 405, MedGen C1809471, MONDO:0018458.
Nephrolithiasis/nephrocalcinosis. Identifiers: MedGen CN580796.

Allele frequency attached by ClinVar (database versions not stated): gnomAD exomes below 0.00001; gnomAD 0.00001.
gnomAD v4.1: 2 of 1,613,972 alleles (0.00012%); highest among the groups gnomAD compares: Non-Finnish European, 0.00017%; no homozygotes.

Submissions (2):

Ambry Genetics
Classification: Uncertain significance for Nephrolithiasis/nephrocalcinosis. Last evaluated: 2021-12-11. Review status: criteria provided, single submitter. Criteria: Ambry Variant Classification Scheme 2023. Collection method: clinical testing. Allele origin: germline.
Comment: The p.F469L variant (also known as c.1407T>G), located in coding exon 4 of the CASR gene, results from a T to G substitution at nucleotide position 1407. The phenylalanine at codon 469 is replaced by leucine, an amino acid with highly similar properties. This amino acid position is conserved. In addition, this alteration is predicted to be deleterious by in silico analysis. Since supporting evidence is limited at this time, the clinical significance of this alteration remains unclear.

Labcorp Genetics (formerly Invitae), Labcorp
Classification: Uncertain significance for Familial hypocalciuric hypercalcemia; Autosomal dominant hypocalcemia 1. Last evaluated: 2020-05-11. Review status: criteria provided, single submitter. Criteria: Invitae Variant Classification Sherloc (09022015). Collection method: clinical testing. Allele origin: germline.
Comment: This sequence change replaces phenylalanine with leucine at codon 469 of the CASR protein (p.Phe469Leu). The phenylalanine residue is highly conserved and there is a small physicochemical difference between phenylalanine and leucine. This variant is not present in population databases (ExAC no frequency). This variant has not been reported in the literature in individuals with CASR-related conditions. Algorithms developed to predict the effect of missense changes on protein structure and function are either unavailable or do not agree on the potential impact of this missense change (SIFT: "Deleterious"; PolyPhen-2: "Possibly Damaging"; Align-GVGD: "Class C0"). In summary, the available evidence is currently insufficient to determine the role of this variant in disease. Therefore, it has been classified as a Variant of Uncertain Significance.